The following is an entry in ClinVar:

NM_024301.5(FKRP):c.1151G>C (p.Gly384Ala)

Gene: FKRP (fukutin related protein; plus strand). Cytogenetic location: 19q13.32.
Variant type: single nucleotide variant.
Coding change: c.1151G>C on transcript NM_024301.5 (MANE Select); coding-DNA position 1151, G replaced by C.
Protein change: p.Gly384Ala; replaces glycine 384 with alanine.
Molecular consequence: missense variant.
Genome position (GRCh38, 1-based): chr19:46,756,601, G>C. VCF-style: chr19-46756601-G-C. GRCh37 (hg19) VCF-style: chr19-47259858-G-C.
Other names: c.1151G>C, p.Gly384Ala (NM_001039885.3); short protein forms G384A.
Identifiers: ClinVar variation 1503180 (VCV001503180.8), dbSNP rs2122632279, ClinGen allele CA406496752.

ClinVar aggregate classification (germline): Uncertain significance (1 of 4 stars; one submission).

Conditions:
Walker-Warburg congenital muscular dystrophy. Also called: Muscular dystrophy-dystroglycanopathy, type A; Walker-Warburg syndrome. Identifiers: Orphanet 899, MedGen C0265221, MONDO:0000171.

gnomAD v4.1: 1 of 1,611,050 alleles (0.000062%); highest among the groups gnomAD compares: East Asian, 0.0022%; no homozygotes.

Submission:

Labcorp Genetics (formerly Invitae), Labcorp
Classification: Uncertain significance for Walker-Warburg congenital muscular dystrophy. Last evaluated: 2024-12-03. Review status: criteria provided, single submitter. Criteria: Invitae Variant Classification Sherloc (09022015). Collection method: clinical testing. Allele origin: germline.
Comment: This sequence change replaces glycine, which is neutral and non-polar, with alanine, which is neutral and non-polar, at codon 384 of the FKRP protein (p.Gly384Ala). This variant is not present in population databases (gnomAD no frequency). This variant has not been reported in the literature in individuals affected with FKRP-related conditions. ClinVar contains an entry for this variant (Variation ID: 1503180). Invitae Evidence Modeling of protein sequence and biophysical properties (such as structural, functional, and spatial information, amino acid conservation, physicochemical variation, residue mobility, and thermodynamic stability) has been performed for this missense variant. However, the output from this modeling did not meet the statistical confidence thresholds required to predict the impact of this variant on FKRP protein function. In summary, the available evidence is currently insufficient to determine the role of this variant in disease. Therefore, it has been classified as a Variant of Uncertain Significance.